The following is an entry in ClinVar:

ClinVar aggregate classification (germline): Uncertain significance (1 of 4 stars; one submission).

gnomAD v4.1: 4 of 1,610,676 alleles (0.00025%); highest among the groups gnomAD compares: Non-Finnish European, 0.00034%; no homozygotes.

Submission:

GeneDx
Classification: Uncertain significance. Last evaluated: 2024-10-08. Review status: criteria provided, single submitter. Criteria: GeneDx Variant Classification Process June 2021. Collection method: clinical testing. Allele origin: germline. Affected: yes.
Comment: Not observed at significant frequency in large population cohorts (gnomAD); In silico analysis indicates that this missense variant does not alter protein structure/function; Has not been previously published as pathogenic or benign to our knowledge

NM_021098.3(CACNA1H):c.379G>A (p.Glu127Lys)

Gene: CACNA1H (calcium voltage-gated channel subunit alpha1 H; plus strand). Cytogenetic location: 16p13.3.
Variant type: single nucleotide variant.
Coding change: c.379G>A on transcript NM_021098.3 (MANE Select); coding-DNA position 379, G replaced by A.
Protein change: p.Glu127Lys; replaces glutamic acid 127 with lysine.
Molecular consequence: missense variant.
Genome position (GRCh38, 1-based): chr16:1,195,051, G>A. VCF-style: chr16-1195051-G-A. GRCh37 (hg19) VCF-style: chr16-1245051-G-A.
Other names: c.379G>A, p.Glu127Lys (NM_001005407.2); short protein forms E127K.
Identifiers: ClinVar variation 3777597 (VCV003777597.1).